The following is an entry in ClinVar:

ClinVar aggregate classification (germline): Likely benign. Review status: criteria provided, multiple submitters, no conflicts (2 of 4 stars). 2 submissions from 2 submitters: Likely benign (2). Last evaluated 2025-10-31.

Conditions:
Myopathy, proximal, and ophthalmoplegia (CMYO6). Also called: MYOPATHY WITH CONGENITAL JOINT CONTRACTURES, OPHTHALMOPLEGIA, AND RIMMED VACUOLES; CONGENITAL MYOPATHY 6 WITH OPHTHALMOPLEGIA; INCLUSION BODY MYOPATHY 3, AUTOSOMAL DOMINANT. Identifiers: Orphanet 363677, Orphanet 79091, MedGen C1854106, MONDO:0011577, OMIM 605637.

Allele frequency attached by ClinVar (database versions not stated): gnomAD exomes 0.00005 and 0.00008; gnomAD 0.00006 and 0.00008; ExAC 0.00008; TOPMed 0.00009; ESP Exome Variant Server 0.00015; 1000 Genomes Project 30x 0.00031; 1000 Genomes Project 0.00040.
gnomAD v4.1: 90 of 1,614,030 alleles (0.0056%); highest among the groups gnomAD compares: African/African-American, 0.012%; no homozygotes.

Submissions (2):

Labcorp Genetics (formerly Invitae), Labcorp
Classification: Likely benign for Myopathy, proximal, and ophthalmoplegia. Last evaluated: 2025-10-31. Review status: criteria provided, single submitter. Criteria: Invitae Variant Classification Sherloc (09022015). Collection method: clinical testing. Allele origin: germline.

CeGaT Center for Human Genetics Tuebingen
Classification: Likely benign. Last evaluated: 2022-06-01. Review status: criteria provided, single submitter. Criteria: CeGaT Center For Human Genetics Tuebingen Variant Classification Criteria Version 2. Collection method: clinical testing. Allele origin: germline. Affected: yes. Observed: 1 variant allele.
Comment: MYH2: BP4, BP7

NM_017534.6(MYH2):c.2601C>T (p.Asp867=)

Genes: MYHAS (myosin heavy chain gene cluster antisense RNA; plus strand), MYH2 (myosin heavy chain 2; minus strand). Cytogenetic location: 17p13.1.
Variant type: single nucleotide variant.
Coding change: c.2601C>T on transcript NM_017534.6 (MANE Select); coding-DNA position 2601, C replaced by T.
Protein change: p.Asp867=; no amino-acid change (aspartic acid 867 retained).
Molecular consequence: synonymous variant.
Genome position (GRCh38, 1-based): chr17:10,531,729, G>A on the plus strand (C>T on the coding strand, the complement: MYH2 is on the minus strand). VCF-style: chr17-10531729-G-A. GRCh37 (hg19) VCF-style: chr17-10435046-G-A.
Other names: c.2601C>T, p.Asp867= (NM_001100112.2).
Identifiers: ClinVar variation 790537 (VCV000790537.33), dbSNP rs142129307, ClinGen allele CA8391104.
Genomic context (GRCh38, chr17:10,531,729, plus strand): 5'-CAACAGCGTCACCATCTTTTCTTCCAGTTCCTTCCTTTTTGCCTCTGACTTGGCAAGTTC[G>A]TCTTTAATTTTCTGAAATTCTTCCTTCATGGTGGCCATCTCCTTCTCAGTTTCTGCACTC-3'
Protein context (NP_060004.3, residues 857-877): TMKEEFQKIK[Asp867=]ELAKSEAKRK